The following is an entry in ClinVar:

ClinVar aggregate classification (germline): Pathogenic. Review status: criteria provided, multiple submitters, no conflicts (2 of 4 stars). 14 submissions from 14 submitters: Pathogenic (10). 4 of the submissions do not count toward it. Last evaluated 2026-10-14.

Conditions:
Hypophosphataemia or rickets.
Childhood hypophosphatasia. Identifiers: Orphanet 247667, Orphanet 436, MedGen C0220743, MONDO:1010168, OMIM 241510, MONDO:0009428.
Familial X-linked hypophosphatemic vitamin D refractory rickets (XLHRD). Also called: Hypophosphatemia, vitamin D-resistant rickets; Vitamin D-resistant rickets, X-linked; X-Linked Hypophosphatemia; Hypophosphatemic Rickets, X-Linked Dominant; HYPOPHOSPHATEMIC VITAMIN D-RESISTANT RICKETS. Identifiers: Orphanet 89936, MedGen C0733682, MONDO:0010619, OMIM 307800.

Submissions (14):

Clinical Genetics Laboratory, Skane University Hospital Lund
Classification: Pathogenic for Familial X-linked hypophosphatemic vitamin D refractory rickets. Last evaluated: 2026-10-14. Review status: criteria provided, single submitter. Criteria: ACMG Guidelines, 2015. Collection method: clinical testing. Allele origin: germline. Inheritance: Y-linked inheritance. Affected: yes.
Comment: PHEX (NM_000444.6) c.1699C>T, p.(Arg567*) is a nucleotide substitution in exon 16 of 22 that creates an immediate premature stop codon, resulting in a truncated protein or loss of protein expression from the affected allele. PHEX c.1699C>T has not been observed in the general population, has previously been described in the literature (PMID: 16303832, 22261628, 39659542), and is reported as pathogenic in ClinVar (Accession: VCV000010822.58). The variant has been classified as pathogenic based on the following ACMG criteria: PVS1, PS4 and PM2.

Cambridge Genomics Laboratory, East Genomic Laboratory Hub, NHS Genomic Medicine Service
Classification: Pathogenic for Hypophosphataemia or rickets. Last evaluated: 2026-02-16. Review status: criteria provided, single submitter. Criteria: ACGS Best Practice Guidelines for Variant Classification in Rare Disease 2020. Collection method: clinical testing. Allele origin: germline. Affected: yes.
Comment: PVS1,PS3_Supporting,PS4_Moderate,PM2,PP4

Women's Health and Genetics/Laboratory Corporation of America, LabCorp
Classification: Pathogenic for Familial X-linked hypophosphatemic vitamin D refractory rickets. Last evaluated: 2026-02-16. Review status: criteria provided, single submitter. Criteria: LabCorp Variant Classification Summary - May 2015. Collection method: clinical testing. Allele origin: germline.
Comment: Variant summary: PHEX c.1699C>T (p.Arg567X) results in a premature termination codon, predicted to cause a truncation of the encoded protein or absence of the protein due to nonsense mediated decay, which are commonly known mechanisms for disease. The variant was absent in 183126 control chromosomes (gnomAD). c.1699C>T has been observed in individuals affected with X-Linked Hypophosphatemic Rickets (Goji_2006, Song_2007). These data indicate that the variant is likely to be associated with disease. To our knowledge, no experimental evidence demonstrating an impact on protein function has been reported. The following publications have been ascertained in the context of this evaluation (PMID: 16303832, 18162710). ClinVar contains an entry for this variant (Variation ID: 10822). Based on the evidence outlined above, the variant was classified as pathogenic.

Labcorp Genetics (formerly Invitae), Labcorp
Classification: Pathogenic. Last evaluated: 2026-01-22. Review status: criteria provided, single submitter. Criteria: Invitae Variant Classification Sherloc (09022015). Collection method: clinical testing. Allele origin: germline.
Comment: This sequence change creates a premature translational stop signal (p.Arg567*) in the PHEX gene. It is expected to result in an absent or disrupted protein product. Loss-of-function variants in PHEX are known to be pathogenic (PMID: 9097956, 9106524, 19219621). This variant is not present in population databases (gnomAD no frequency). This premature translational stop signal has been observed in individual(s) with X-linked hypophosphatemia (PMID: 16303832, 22261628; internal data). ClinVar contains an entry for this variant (Variation ID: 10822). For these reasons, this variant has been classified as Pathogenic.

Genomic Medicine Center of Excellence, King Faisal Specialist Hospital and Research Centre
Classification: Pathogenic for Familial X-linked hypophosphatemic vitamin D refractory rickets. Last evaluated: 2024-01-12. Review status: criteria provided, single submitter. Criteria: ACMG Guidelines, 2015. Collection method: clinical testing. Allele origin: germline.

Genetics and Molecular Pathology, SA Pathology
Classification: Pathogenic for Familial X-linked hypophosphatemic vitamin D refractory rickets. Last evaluated: 2023-06-26. Review status: criteria provided, single submitter. Criteria: ACMG Guidelines, 2015. Collection method: clinical testing. Allele origin: germline. Inheritance: X-linked dominant inheritance. Affected: yes.
Comment: The PHEX c.1699C>T variant is classified as Pathogenic (PVS1, PS4_Moderate, PS3_Moderate, PM2, PP1_Supporting). The PHEX c.1699C>T variant is a single nucleotide change which is predicted to result in premature termination of the protein product at codon 567 (PVS1). This variant has been previously reported in multiple individuals with X-linked hypophosphatemia in the literature (PMID: 29901142, PMID: 22101457, PMID: 18162710), including a patient who was found to be mosaic for this variant (PMID: 16303832) (PS4_Moderate). Functional studies have shown this variant causes a trafficking defect resulting in intracellular retention of PHEX protein in transfected cells (PMID: 32329911) (PS3_moderate). This variant is absent from population databases (PM2). This variant was found to co-segregate with disease in two unrelated families (PP1_supporting). The variant has been reported in dbSNP (rs137853271) and has been reported as Pathogenic by other diagnostic laboratories (ClinVar Variation ID: 10822). It has been reported in HGMD (CM060430).

Baylor Genetics
Classification: Pathogenic for Familial X-linked hypophosphatemic vitamin D refractory rickets. Last evaluated: 2020-06-10. Review status: criteria provided, single submitter. Criteria: ACMG Guidelines, 2015. Collection method: clinical testing. Allele origin: unknown. Affected: yes.
Comment: This variant was determined to be pathogenic according to ACMG Guidelines, 2015 [PMID:25741868].

CeGaT Center for Human Genetics Tuebingen
Classification: Pathogenic. Last evaluated: 2019-10-01. Review status: criteria provided, single submitter. Criteria: CeGaT Center For Human Genetics Tuebingen Variant Classification Criteria Version 2. Collection method: clinical testing. Allele origin: germline. Affected: yes. Observed: 2 variant alleles.

GeneDx
Classification: Pathogenic. Last evaluated: 2018-08-21. Review status: criteria provided, single submitter. Criteria: GeneDx Variant Classification (06012015). Collection method: clinical testing. Allele origin: germline. Affected: yes.
Comment: The R567X pathogenic variant in the PHEX gene has been reported previously in association with hypophosphatemic rickets (Goji et al., 2006). It was also identified in one patient from a study of patients with PHEX variants that were diagnosed with hypophosphatemic rickets (vitamin D-resistant rickets, VDRR) (Lee et al., 2012). The R567X variant was not observed in approximately 6,500 individuals of European and African American ancestry in the NHLBI Exome Sequencing Project, indicating it is not a common benign variant in these populations. This pathogenic variant is predicted to cause loss of normal protein function either through protein truncation or nonsense-mediated mRNA decay. Therefore, we interpret R567X in PHEX as a pathogenic variant.

Institute of Human Genetics Munich, TUM University Hospital
Classification: Pathogenic for Familial X-linked hypophosphatemic vitamin D refractory rickets. Last evaluated: 2015-04-17. Review status: criteria provided, single submitter. Criteria: Classification criteria August 2017. Collection method: clinical testing. Allele origin: germline, paternal. Inheritance: X-linked inheritance. Affected: yes. Observed: 4 heterozygotes, 1 hemizygote.

OMIM
Classification: Pathogenic for HYPOPHOSPHATEMIC RICKETS, X-LINKED DOMINANT. Last evaluated: 2006-02-01. Review status: no assertion criteria provided. Collection method: literature only. Allele origin: unknown. Not counted in ClinVar's aggregate classification.

Clinical Genetics DNA and cytogenetics Diagnostics Lab, Erasmus MC, Erasmus Medical Center
Classification: Pathogenic. Review status: no assertion criteria provided. Collection method: clinical testing. Allele origin: germline. Affected: yes. Study: VKGL Data-share Consensus. Not counted in ClinVar's aggregate classification.

Department of Pediatric Endocrinology, Shriners Hospitals for Children - Mexico City
No classification provided. Condition: Childhood hypophosphatasia. Review status: no classification provided. Collection method: phenotyping only. Allele origin: germline. Inheritance: X-linked dominant inheritance. Affected: yes. Observed: 2 variant alleles. Not counted in ClinVar's aggregate classification.

Joint Genome Diagnostic Labs from Nijmegen and Maastricht, Radboudumc and MUMC+
Classification: Pathogenic. Review status: no assertion criteria provided. Collection method: clinical testing. Allele origin: germline. Affected: yes. Study: VKGL Data-share Consensus. Not counted in ClinVar's aggregate classification.

Literature cited by the submitters: PubMed 16303832 (cited by 4 submitters); PubMed 18162710 (cited by Women's Health and Genetics/Laboratory Corporation of America, LabCorp and Genetics and Molecular Pathology, SA Pathology); PubMed 9097956 (cited by Labcorp Genetics (formerly Invitae), Labcorp); PubMed 9106524 (cited by Labcorp Genetics (formerly Invitae), Labcorp); PubMed 19219621 (cited by Labcorp Genetics (formerly Invitae), Labcorp); PubMed 22261628 (cited by Labcorp Genetics (formerly Invitae), Labcorp); PubMed 22101457 (cited by Genetics and Molecular Pathology, SA Pathology); PubMed 29901142 (cited by Genetics and Molecular Pathology, SA Pathology); PubMed 32329911 (cited by Genetics and Molecular Pathology, SA Pathology).

NM_000444.6(PHEX):c.1699C>T (p.Arg567Ter)

Genes: PHEX (phosphate regulating endopeptidase X-linked; plus strand), PTCHD1-AS (PTCHD1 and PHEX antisense RNA; minus strand). Cytogenetic location: Xp22.11.
Variant type: single nucleotide variant.
Coding change: c.1699C>T on transcript NM_000444.6 (MANE Select); coding-DNA position 1699, C replaced by T.
Protein change: p.Arg567Ter; replaces arginine 567 with a stop codon.
Molecular consequence: nonsense.
Genome position (GRCh38, 1-based): chrX:22,212,957, C>T. VCF-style: chrX-22212957-C-T. GRCh37 (hg19) VCF-style: chrX-22231074-C-T.
Other names: c.1699C>T, p.Arg567Ter (NM_001282754.2); short protein forms R567*.
Identifiers: ClinVar variation 10822 (VCV000010822.61), dbSNP rs137853271, ClinGen allele CA255561.